The following is an entry in ClinVar:

ClinVar aggregate classification (germline): Uncertain significance (1 of 4 stars; one submission).

Conditions:
Specific granule deficiency. Identifiers: Orphanet 169142, MedGen C0398593, MONDO:0009506.

Allele frequency attached by ClinVar (database versions not stated): TOPMed 0.00002.
gnomAD v4.1: 16 of 1,613,336 alleles (0.00099%); highest among the groups gnomAD compares: East Asian, 0.0022%; no homozygotes.

Submission:

Labcorp Genetics (formerly Invitae), Labcorp
Classification: Uncertain significance for Specific granule deficiency. Last evaluated: 2026-01-24. Review status: criteria provided, single submitter. Criteria: Invitae Variant Classification Sherloc (09022015). Collection method: clinical testing. Allele origin: germline.
Comment: This sequence change replaces arginine, which is basic and polar, with glutamine, which is neutral and polar, at codon 24 of the CEBPE protein (p.Arg24Gln). This variant is present in population databases (no rsID available, gnomAD 0.006%). This variant has not been reported in the literature in individuals affected with CEBPE-related conditions. ClinVar contains an entry for this variant (Variation ID: 1000750). An algorithm developed to predict the effect of missense changes on protein structure and function outputs the following: PolyPhen-2: "Probably Damaging". The glutamine amino acid residue is found in multiple mammalian species, which suggests that this missense change does not adversely affect protein function. In summary, the available evidence is currently insufficient to determine the role of this variant in disease. Therefore, it has been classified as a Variant of Uncertain Significance.

NM_001805.4(CEBPE):c.71G>A (p.Arg24Gln)

Gene: CEBPE (CCAAT enhancer binding protein epsilon; minus strand). Cytogenetic location: 14q11.2.
Variant type: single nucleotide variant.
Coding change: c.71G>A on transcript NM_001805.4 (MANE Select); coding-DNA position 71, G replaced by A.
Protein change: p.Arg24Gln; replaces arginine 24 with glutamine.
Molecular consequence: missense variant.
Genome position (GRCh38, 1-based): chr14:23,119,021, C>T on the plus strand (G>A on the coding strand, the complement: CEBPE is on the minus strand). VCF-style: chr14-23119021-C-T. GRCh37 (hg19) VCF-style: chr14-23588230-C-T.
Other names: short protein forms R24Q.
Identifiers: ClinVar variation 1000750 (VCV001000750.7), dbSNP rs747068325, ClinGen allele CA257745575.
Genomic context (GRCh38, chr14:23,119,021, plus strand): 5'-GCGGAGAGGTCAATGGAGGCCTCATGCTCACACATGTCCCCTAGCTCCCCGGGCCCAGCT[C>T]GGCCCCCTGAGAACTCGAGTGGCTGCTGGCCACCCCGGGGCTCACACTCGTAGTAGGTCC-3'
Protein context (NP_001796.2, residues 14-34): GQQPLEFSGG[Arg24Gln]AGPGELGDMC